The following is an entry in ClinVar:

ClinVar aggregate classification (germline): Uncertain significance (1 of 4 stars; one submission).

Submission:

Labcorp Genetics (formerly Invitae), Labcorp
Classification: Uncertain significance. Last evaluated: 2024-08-13. Review status: criteria provided, single submitter. Criteria: Invitae Variant Classification Sherloc (09022015). Collection method: clinical testing. Allele origin: germline.
Comment: This sequence change replaces serine, which is neutral and polar, with asparagine, which is neutral and polar, at codon 30 of the HYOU1 protein (p.Ser30Asn). This variant is not present in population databases (gnomAD no frequency). This variant has not been reported in the literature in individuals affected with HYOU1-related conditions. An algorithm developed to predict the effect of missense changes on protein structure and function (PolyPhen-2) suggests that this variant is likely to be tolerated. In summary, the available evidence is currently insufficient to determine the role of this variant in disease. Therefore, it has been classified as a Variant of Uncertain Significance.

NM_006389.5(HYOU1):c.89G>A (p.Ser30Asn)

Gene: HYOU1 (hypoxia up-regulated 1; minus strand). Cytogenetic location: 11q23.3.
Variant type: single nucleotide variant.
Coding change: c.89G>A on transcript NM_006389.5 (MANE Select); coding-DNA position 89, G replaced by A.
Protein change: p.Ser30Asn; replaces serine 30 with asparagine.
Molecular consequence: missense variant.
Genome position (GRCh38, 1-based): chr11:119,056,072, C>T on the plus strand (G>A on the coding strand, the complement: HYOU1 is on the minus strand). VCF-style: chr11-119056072-C-T.
Other names: c.89G>A, p.Ser30Asn (NM_001130991.3, NM_001411041.1); short protein forms S30N.
Identifiers: ClinVar variation 3631302 (VCV003631302.2).